The following is an entry in ClinVar:

ClinVar aggregate classification (germline): Conflicting classifications of pathogenicity. Review status: criteria provided, conflicting classifications (1 of 4 stars). 2 submissions from 2 submitters: Uncertain significance (1); Likely benign (1). Last evaluated 2025-12-22.

Conditions:
C1Q deficiency. Identifiers: MedGen C3150902, MONDO:0013343.

Submissions (2):

Labcorp Genetics (formerly Invitae), Labcorp
Classification: Likely benign. Last evaluated: 2025-12-22. Review status: criteria provided, single submitter. Criteria: Invitae Variant Classification Sherloc (09022015). Collection method: clinical testing. Allele origin: germline.

Center for Genomics, Ann and Robert H. Lurie Children's Hospital of Chicago
Classification: Uncertain significance for C1Q deficiency 1. Last evaluated: 2018-07-11. Review status: criteria provided, single submitter. Criteria: ACMG Guidelines, 2015. Collection method: clinical testing. Allele origin: germline.
Comment: C1QC NM_001114101.2 exon 2 p.Ser7Asn (c.19_20delinsAA): This variant has not been reported in the literature and is not present in large control databases. Evolutionary conservation and computational predictive tools suggest that this variant may not impact the protein. This variant represents an in-frame deletion and insertion of 2 nucleotides, resulting in a single amino acid substitution at position 7 and is not predicted to alter the reading frame. However, the effect of this variant on the protein is unclear. In summary, data on this variant is insufficient for disease classification. Therefore, the clinical significance of this variant is uncertain.

NM_172369.5(C1QC):c.19_20delinsAA (p.Ser7Asn)

Gene: C1QC (complement C1q C chain; plus strand). Cytogenetic location: 1p36.12.
Variant type: Indel.
Coding change: c.19_20delinsAA on transcript NM_172369.5 (MANE Select); coding-DNA positions 19 to 20, TC replaced by AA.
Protein change: p.Ser7Asn; replaces serine 7 with asparagine.
Molecular consequence: missense variant. On other transcripts: intron variant (1).
Genome position (GRCh38, 1-based): chr1:22,644,042-22,644,043, TC replaced by AA. VCF-style: chr1-22644042-TC-AA. GRCh37 (hg19) VCF-style: chr1-22970535-TC-AA.
Other names: c.19_20delinsAA, p.Ser7Asn (NM_001114101.3, NM_001347619.2); c.-87+328_-87+329delinsAA (NM_001347620.2); short protein forms S7N.
Identifiers: ClinVar variation 625896 (VCV000625896.9), dbSNP rs1557603993, ClinGen allele CA913189295.
Genomic context (GRCh38, chr1:22,644,042, plus strand): 5'-CGGGGACAGCTCAGCTCTCTCCCTCCCAGTTCCTTCTCCGGGATGGACGTGGGGCCCAGC[TC>AA]CCTGCCCCACCTTGGGCTGAAGCTGCTGCTGCTCCTGCTGCTGCTGCCCCTCAGGGGCCA-3'
Protein context (NP_758957.2, residues 1-17): MDVGPS[Ser7Asn]LPHLGLKLLL